The following is an entry in ClinVar:

NM_000053.4(ATP7B):c.4007T>C (p.Ile1336Thr)

Gene: ATP7B (ATPase copper transporting beta; minus strand). Cytogenetic location: 13q14.3.
Variant type: single nucleotide variant.
Coding change: c.4007T>C on transcript NM_000053.4 (MANE Select); coding-DNA position 4007, T replaced by C.
Protein change: p.Ile1336Thr; replaces isoleucine 1336 with threonine.
Molecular consequence: missense variant.
Genome position (GRCh38, 1-based): chr13:51,937,290, A>G on the plus strand (T>C on the coding strand, the complement: ATP7B is on the minus strand). VCF-style: chr13-51937290-A-G. GRCh37 (hg19) VCF-style: chr13-52511426-A-G.
Other names: c.3863T>C, p.Ile1288Thr (NM_001406522.1, NM_001406520.1, NM_001406521.1); c.3824T>C, p.Ile1275Thr (NM_001406523.1); c.3803T>C, p.Ile1268Thr (NM_001406526.1); c.3773T>C, p.Ile1258Thr (NM_001406527.1, NM_001406528.1, NM_001330578.2); c.3830T>C, p.Ile1277Thr (NM_001406524.1); c.3767T>C, p.Ile1256Thr (NM_001406530.1); c.3812T>C, p.Ile1271Thr (NM_001406525.1); c.3974T>C, p.Ile1325Thr (NM_001406514.1); and 21 more; short protein forms I1055T, I1109T, I1120T, I1129T, I1142T, I1172T, I1174T, I1187T.
Identifiers: ClinVar variation 2679825 (VCV002679825.3), dbSNP rs1957026103, ClinGen allele CA388020811.
Genomic context (GRCh38, chr13:51,937,290, plus strand): 5'-AGCCTTTCTGGGCGCAGCTGGAGCACAGTGGGTAAGAGCTGCCTACCTGCTGCAATGGGT[A>G]TCCCAACCAGGTTATAAATCAGTGCCAGGACCAGGTTGATGCGTATCCTTCGGACAGTCC-3'
Protein context (NP_000044.2, residues 1326-1346): VLALIYNLVG[Ile1336Thr]PIAAGVFMPI

ClinVar aggregate classification (germline): Conflicting classifications of pathogenicity. Review status: criteria provided, conflicting classifications (1 of 4 stars). 3 submissions from 3 submitters: Likely pathogenic (1); Uncertain significance (2). Last evaluated 2025-12-16.

Conditions:
Wilson disease (WND). Also called: Wilson's disease. Identifiers: Orphanet 905, MedGen C0019202, MONDO:0010200, OMIM 277900. Disease mechanism: loss of function.

Allele frequency attached by ClinVar (database versions not stated): gnomAD exomes below 0.00001.
gnomAD v4.1: 4 of 1,614,102 alleles (0.00025%); highest among the groups gnomAD compares: East Asian, 0.0089%; no homozygotes.

Submissions (3):

Women's Health and Genetics/Laboratory Corporation of America, LabCorp
Classification: Uncertain significance. Last evaluated: 2025-12-16. Review status: criteria provided, single submitter. Criteria: LabCorp Variant Classification Summary - May 2015. Collection method: clinical testing. Allele origin: germline.
Comment: Variant summary: ATP7B c.4007T>C (p.Ile1336Thr) results in a non-conservative amino acid change in the encoded protein sequence. Algorithms developed to predict the effect of missense changes on protein structure and function all suggest that this variant is likely to be disruptive. The variant was absent in 249526 control chromosomes (gnomAD). c.4007T>C has been observed in individuals affected with Wilson Disease (e.g. Okada_2000, Nagasaka_2012, Asano_2024). These data indicate that the variant may be associated with disease. To our knowledge, no experimental evidence demonstrating an impact on protein function has been reported. The following publications have been ascertained in the context of this evaluation (PMID: 10790207, 22940187, 37121747). ClinVar contains an entry for this variant (Variation ID: 2679825). Based on the evidence outlined above, the variant was classified as VUS-possibly pathogenic.

All of Us Research Program, National Institutes of Health
Classification: Uncertain significance for Wilson disease. Last evaluated: 2024-08-30. Review status: criteria provided, single submitter. Criteria: ACMG Guidelines, 2015. Collection method: clinical testing. Allele origin: germline. Inheritance: Autosomal recessive inheritance. Observed: 1 variant allele, 1 heterozygote.
Comment: This study involves interpretation of variants in research participants for the purpose of population health screening. Participant phenotype was not available at the time of variant classification. Additional details can be found in publication PMID: 35346344, PMCID: PMC8962531

Baylor Genetics
Classification: Likely pathogenic for Wilson disease. Last evaluated: 2022-11-05. Review status: criteria provided, single submitter. Criteria: ACMG Guidelines, 2015. Collection method: clinical testing. Allele origin: unknown.

Literature cited by the submitters: PubMed 10790207 (cited by Women's Health and Genetics/Laboratory Corporation of America, LabCorp); PubMed 22940187 (cited by Women's Health and Genetics/Laboratory Corporation of America, LabCorp); PubMed 37121747 (cited by Women's Health and Genetics/Laboratory Corporation of America, LabCorp).